The following is an entry in ClinVar:

ClinVar aggregate classification (germline): Pathogenic. Review status: reviewed by expert panel (3 of 4 stars). 14 submissions from 14 submitters: Pathogenic (1). 13 of the submissions do not count toward it. Last evaluated 2016-04-22.

Conditions:
Fanconi anemia, complementation group S (FANCS). Identifiers: MedGen C4554406, MONDO:0054748, OMIM 617883.
Hereditary cancer-predisposing syndrome. Also called: Tumor predisposition; Neoplastic Syndromes, Hereditary; Hereditary Cancer Syndrome; Hereditary neoplastic syndrome. Identifiers: Orphanet 140162, MedGen C0027672, MeSH D009386, MONDO:0015356.
Hereditary breast ovarian cancer syndrome. Also called: Hereditary breast and ovarian cancer syndrome (HBOC); Hereditary breast and ovarian cancer syndrome; Hereditary breast and ovarian cancer; Hereditary breast and/or ovarian cancer syndrome; Breast and ovarian cancer; BRCA1- and BRCA2-Associated Hereditary Breast and Ovarian Cancer. Identifiers: Orphanet 145, MedGen C0677776, MeSH D061325, MONDO:0003582. Disease mechanism: loss of function.
Breast-ovarian cancer, familial, susceptibility to, 1 (BROVCA1). Also called: OVARIAN CANCER, SUSCEPTIBILITY TO; BRCA1 Hereditary Breast and Ovarian Cancer. Identifiers: Orphanet 145, MedGen C2676676, MONDO:0011450, OMIM 604370. Disease mechanism: loss of function.
Familial cancer of breast. Also called: Hereditary breast cancer; hereditary breast carcinoma; BREAST CANCER, FAMILIAL. Identifiers: Orphanet 227535, MedGen C0346153, MONDO:0016419, OMIM 114480. Disease mechanism: loss of function.

Submissions 1 to 7 of 14:

Evidence-based Network for the Interpretation of Germline Mutant Alleles (ENIGMA)
Classification: Pathogenic for Breast-ovarian cancer, familial, susceptibility to, 1. Last evaluated: 2016-04-22. Review status: reviewed by expert panel. Criteria: ENIGMA BRCA1/2 Classification Criteria (2015). Collection method: curation. Allele origin: germline.
Comment: Variant allele predicted to encode a truncated non-functional protein.

Labcorp Genetics (formerly Invitae), Labcorp
Classification: Pathogenic for Hereditary breast ovarian cancer syndrome. Last evaluated: 2025-07-02. Review status: criteria provided, single submitter. Criteria: Invitae Variant Classification Sherloc (09022015). Collection method: clinical testing. Allele origin: germline. Not counted in ClinVar's aggregate classification.
Comment: This sequence change creates a premature translational stop signal (p.Ser956Valfs*13) in the BRCA1 gene. It is expected to result in an absent or disrupted protein product. Loss-of-function variants in BRCA1 are known to be pathogenic (PMID: 20104584). This variant is not present in population databases (gnomAD no frequency). This premature translational stop signal has been observed in individual(s) with breast cancer and ovarian cancer (PMID: 7837387, 15146557). This variant is also known as 2982del5 and and 2985del5. ClinVar contains an entry for this variant (Variation ID: 54702). For these reasons, this variant has been classified as Pathogenic.

Ambry Genetics
Classification: Pathogenic for Hereditary cancer-predisposing syndrome. Last evaluated: 2024-10-03. Review status: criteria provided, single submitter. Criteria: Ambry Variant Classification Scheme 2023. Collection method: clinical testing. Allele origin: germline. Not counted in ClinVar's aggregate classification.
Comment: The c.2866_2870delTCTCA pathogenic mutation, located in coding exon 9 of the BRCA1 gene, results from a deletion of 5 nucleotides at nucleotide positions 2866 to 2870, causing a translational frameshift with a predicted alternate stop codon (p.S956Vfs*13). This mutation has been reported in multiple breast and/or ovarian cancer families (Shattuck-Eidens D et al. JAMA. 1995 Feb 15;273(7):535-41; Gorski B et al. Int J Cancer. 2004 Jul 10;110(5):683-6). This alteration was detected in a cohort of 8085 consecutive unselected Chinese breast cancer patients who underwent multi-gene panel testing (Sun J et al. Clin. Cancer Res. 2017 Oct;23:6113-6119) as well as a cohort of 916 Chinese ovarian cancer patients (Shi T et al. Int. J. Cancer. 2017 05;140:2051-2059). This alteration was identified in a large, worldwide study of BRCA1/2 mutation positive families (Rebbeck TR et al. Hum. Mutat. 2018 05;39:593-620). Of note, this mutation is also designated as 2982del5 and 2985del5 in published literature. This variant is considered to be rare based on population cohorts in the Genome Aggregation Database (gnomAD). In addition to the clinical data presented in the literature, this alteration is expected to result in loss of function by premature protein truncation or nonsense-mediated mRNA decay. As such, this alteration is interpreted as a disease-causing mutation.

GeneDx
Classification: Pathogenic. Last evaluated: 2023-12-04. Review status: criteria provided, single submitter. Criteria: GeneDx Variant Classification Process June 2021. Collection method: clinical testing. Allele origin: germline. Affected: yes. Not counted in ClinVar's aggregate classification.
Comment: Frameshift variant predicted to result in protein truncation or nonsense mediated decay in a gene for which loss of function is a known mechanism of disease; Not observed at significant frequency in large population cohorts (gnomAD); Truncating variants in this gene are considered pathogenic by a well-established clinical consortium and/or database; Also known as 2985_2989del; This variant is associated with the following publications: (PMID: 26681312, 7837387, 20858050, 15146557, 26843898, 18042939, 30093976, 31825140, 28176296, 28724667, 34426522, 30702160, 30875412, 26236408, 33773534, 29446198, 34917121, 35864222)

KCCC/NGS Laboratory, Kuwait Cancer Control Center
Classification: Pathogenic for Breast-ovarian cancer, familial, susceptibility to, 1. Last evaluated: 2023-07-27. Review status: criteria provided, single submitter. Criteria: ACMG Guidelines, 2015. Collection method: clinical testing. Allele origin: germline. Inheritance: Autosomal dominant inheritance. Affected: yes. Observed: 1 heterozygote. Not counted in ClinVar's aggregate classification.
Comment: This sequence change creates a premature translational stop signal (p.Ser956Valfs*13) in the BRCA1 gene. It is expected to result in an absent or disrupted protein product. Loss-of-function variants in BRCA1 are known to be pathogenic (PMID: 20104584). This variant is not present in population databases (gnomAD no frequency) nor in our local database. This premature translational stop signal has been observed in individual(s) with breast cancer and ovarian cancer (PMID: 7837387, 15146557 ,29446198). ClinVar contains an entry for this variant (Variation ID: 54702) reviewed by expert panel and classified as pathogenic . For these reasons, this variant has been classified as Pathogenic.

Baylor Genetics
Classification: Pathogenic for Breast-ovarian cancer, familial, susceptibility to, 1. Last evaluated: 2023-07-12. Review status: criteria provided, single submitter. Criteria: ACMG Guidelines, 2015. Collection method: clinical testing. Allele origin: unknown. Not counted in ClinVar's aggregate classification.

Color Diagnostics, LLC DBA Color Health
Classification: Pathogenic for Hereditary cancer-predisposing syndrome. Last evaluated: 2022-06-13. Review status: criteria provided, single submitter. Criteria: ACMG Guidelines, 2015. Collection method: clinical testing. Allele origin: germline. Not counted in ClinVar's aggregate classification.
Comment: This variant deletes 5 nucleotides in exon 10 of the BRCA1 gene, creating a frameshift and premature translation stop signal. This variant is expected to result in an absent or non-functional protein product. This variant has been observed in individuals affected with breast cancer (PMID: 28724667) and ovarian cancer (PMID: 28176296) and in suspected hereditary breast and ovarian cancer families (PMID: 7837387, 15146557, 29446198). This variant has been detected in a breast cancer case-control meta-analysis in 3/60466 cases and 0/53461 unaffected individuals (PMID: 33471991; Leiden Open Variation Database DB-ID BRCA1_000789). This variant has not been identified in the general population by the Genome Aggregation Database (gnomAD). Loss of BRCA1 function is a known mechanism of disease. Based on the available evidence, this variant is classified as Pathogenic.

NM_007294.4(BRCA1):c.2866_2870del (p.Ser956fs)

Gene: BRCA1 (BRCA1 DNA repair associated; minus strand). Cytogenetic location: 17q21.31.
Variant type: Deletion.
Coding change: c.2866_2870del on transcript NM_007294.4 (MANE Select); coding-DNA positions 2866 to 2870, 5 bases deleted (TCTCA; older notation c.2866_2870delTCTCA).
Protein change: p.Ser956fs; shifts the reading frame from serine 956.
Molecular consequence: frameshift variant. On other transcripts: intron variant (137).
Genome position (GRCh38, 1-based): chr17:43,092,661-43,092,665, TGAGA deleted on the plus strand (TCTCA on the coding strand, the reverse complement: BRCA1 is on the minus strand); deleting any 5 consecutive bases within chr17:43,092,661-43,092,668 gives the same sequence; the c. name uses the placement nearest the transcript's 3' end. VCF-style (leftmost placement, unchanged base first): chr17-43092660-CTGAGA-C. GRCh37 (hg19) VCF-style: chr17-41244677-CTGAGA-C.
Other names: 2985del5; 2982del5; 2982_2986delTCATC; c.2866_2870del5 (NM_007294.3); c.2866_2870delTCTCA (NM_007294.3); c.2599_2603del, p.Ser867fs (NM_001407936.1, NM_001407930.1, NM_001407931.1 and 2 more transcripts); c.2743_2747del, p.Ser915fs (NM_001407937.1, NM_001407938.1, NM_001407939.1 and 19 more transcripts); c.2740_2744del, p.Ser914fs (NM_001407940.1, NM_001407941.1, NM_001407649.1 and 11 more transcripts); and 47 more; short protein forms S956fs, S909fs, S828fs, S888fs, S914fs, S953fs, S660fs, S844fs.
Identifiers: ClinVar variation 54702 (VCV000054702.37), dbSNP rs80357819, ClinGen allele CA001864.